The following is an entry in ClinVar:

ClinVar aggregate classification (germline): Uncertain significance (1 of 4 stars; one submission).

Conditions:
CHARGE syndrome (CHARGE). Also called: Hittner Hirsch Kreh syndrome; CHARGE ASSOCIATION--COLOBOMA, HEART ANOMALY, CHOANAL ATRESIA, RETARDATION, GENITAL AND EAR ANOMALIES; Coloboma, heart anomaly, choanal atresia, retardation, genital and ear anomalies; CHARGE association; Hall-Hittner syndrome. Identifiers: Orphanet 138, MedGen C0265354, MONDO:0008965.

Allele frequency attached by ClinVar (database versions not stated): gnomAD exomes 0.00002.
gnomAD v4.1: 16 of 1,563,586 alleles (0.001%); highest among the groups gnomAD compares: Non-Finnish European, 0.0014%; no homozygotes.

Submission:

Labcorp Genetics (formerly Invitae), Labcorp
Classification: Uncertain significance for CHARGE syndrome. Last evaluated: 2022-12-11. Review status: criteria provided, single submitter. Criteria: Invitae Variant Classification Sherloc (09022015). Collection method: clinical testing. Allele origin: germline.
Comment: This variant is not present in population databases (gnomAD no frequency). This sequence change replaces lysine, which is basic and polar, with glutamic acid, which is acidic and polar, at codon 650 of the CHD7 protein (p.Lys650Glu). This variant has not been reported in the literature in individuals affected with CHD7-related conditions. In summary, the available evidence is currently insufficient to determine the role of this variant in disease. Therefore, it has been classified as a Variant of Uncertain Significance. Advanced modeling of protein sequence and biophysical properties (such as structural, functional, and spatial information, amino acid conservation, physicochemical variation, residue mobility, and thermodynamic stability) performed at Invitae indicates that this missense variant is not expected to disrupt CHD7 protein function.

NM_017780.4(CHD7):c.1948A>G (p.Lys650Glu)

Genes: CHD7 (chromodomain helicase DNA binding protein 7; plus strand), LOC126860403 (CDK7 strongly-dependent group 2 enhancer GRCh37_chr8:61693034-61694233; plus strand). Cytogenetic location: 8q12.2.
Variant type: single nucleotide variant.
Coding change: c.1948A>G on transcript NM_017780.4 (MANE Select); coding-DNA position 1948, A replaced by G.
Protein change: p.Lys650Glu; replaces lysine 650 with glutamic acid.
Molecular consequence: missense variant. On other transcripts: intron variant (1).
Genome position (GRCh38, 1-based): chr8:60,781,282, A>G. VCF-style: chr8-60781282-A-G. GRCh37 (hg19) VCF-style: chr8-61693841-A-G.
Other names: c.1716+232A>G (NM_001316690.1); short protein forms K650E.
Identifiers: ClinVar variation 2820148 (VCV002820148.3), dbSNP rs2487539647, ClinGen allele CA371313155.